The following is an entry in ClinVar:

NM_000059.4(BRCA2):c.2009G>C (p.Cys670Ser)

Gene: BRCA2 (BRCA2 DNA repair associated; plus strand). Cytogenetic location: 13q13.1.
Variant type: single nucleotide variant.
Coding change: c.2009G>C on transcript NM_000059.4 (MANE Select); coding-DNA position 2009, G replaced by C.
Protein change: p.Cys670Ser; replaces cysteine 670 with serine.
Molecular consequence: missense variant. On other transcripts: non-coding transcript variant (1), intron variant (2).
Genome position (GRCh38, 1-based): chr13:32,336,364, G>C. VCF-style: chr13-32336364-G-C. GRCh37 (hg19) VCF-style: chr13-32910501-G-C.
Other names: c.2009G>C, p.Cys670Ser (NM_001406719.1, NM_001406720.1, NM_001432077.1); c.1909+2977G>C (NM_001406721.1); c.424+5334G>C (NM_001406722.1); short protein forms C670S.
Identifiers: ClinVar variation 3636438 (VCV003636438.2).

ClinVar aggregate classification (germline): Uncertain significance (1 of 4 stars; one submission).

Conditions:
Hereditary breast ovarian cancer syndrome. Also called: Hereditary breast and ovarian cancer syndrome; Hereditary breast and ovarian cancer syndrome (HBOC); BRCA1- and BRCA2-Associated Hereditary Breast and Ovarian Cancer; Hereditary breast and ovarian cancer; Breast and ovarian cancer; Hereditary breast and/or ovarian cancer syndrome. Identifiers: Orphanet 145, MedGen C0677776, MeSH D061325, MONDO:0003582. Disease mechanism: loss of function.

Submission:

Labcorp Genetics (formerly Invitae), Labcorp
Classification: Uncertain significance for Hereditary breast ovarian cancer syndrome. Last evaluated: 2024-09-04. Review status: criteria provided, single submitter. Criteria: Invitae Variant Classification Sherloc (09022015). Collection method: clinical testing. Allele origin: germline.
Comment: This sequence change replaces cysteine, which is neutral and slightly polar, with serine, which is neutral and polar, at codon 670 of the BRCA2 protein (p.Cys670Ser). This variant is not present in population databases (gnomAD no frequency). This variant has not been reported in the literature in individuals affected with BRCA2-related conditions. Invitae Evidence Modeling of protein sequence and biophysical properties (such as structural, functional, and spatial information, amino acid conservation, physicochemical variation, residue mobility, and thermodynamic stability) indicates that this missense variant is not expected to disrupt BRCA2 protein function with a negative predictive value of 95%. In summary, the available evidence is currently insufficient to determine the role of this variant in disease. Therefore, it has been classified as a Variant of Uncertain Significance.